The following is an entry in ClinVar:

ClinVar aggregate classification (germline): Uncertain significance (1 of 4 stars; one submission).

Conditions:
Congenital muscular dystrophy due to integrin alpha-7 deficiency. Also called: MYOPATHY, CONGENITAL, DUE TO INTEGRIN ALPHA-7 DEFICIENCY; Congenital muscular dystrophy with integrin alpha-7 deficiency; Muscular dystrophy, congenital, due to ITGA7 deficiency. Identifiers: Orphanet 34520, MedGen C2750786, MONDO:0013177, OMIM 613204.

Allele frequency attached by ClinVar (database versions not stated): TOPMed 0.00001.
gnomAD v4.1: 2 of 1,614,154 alleles (0.00012%); highest among the groups gnomAD compares: Non-Finnish European, 0.00017%; no homozygotes.

Submission:

Labcorp Genetics (formerly Invitae), Labcorp
Classification: Uncertain significance for Congenital muscular dystrophy due to integrin alpha-7 deficiency. Last evaluated: 2022-08-31. Review status: criteria provided, single submitter. Criteria: Invitae Variant Classification Sherloc (09022015). Collection method: clinical testing. Allele origin: germline.
Comment: In summary, the available evidence is currently insufficient to determine the role of this variant in disease. Therefore, it has been classified as a Variant of Uncertain Significance. Algorithms developed to predict the effect of missense changes on protein structure and function are either unavailable or do not agree on the potential impact of this missense change (SIFT: "Deleterious"; PolyPhen-2: "Possibly Damaging"; Align-GVGD: "Class C15"). ClinVar contains an entry for this variant (Variation ID: 1403082). This variant has not been reported in the literature in individuals affected with ITGA7-related conditions. This variant is not present in population databases (gnomAD no frequency). This sequence change replaces alanine, which is neutral and non-polar, with serine, which is neutral and polar, at codon 341 of the ITGA7 protein (p.Ala341Ser).

NM_002206.3(ITGA7):c.1021G>T (p.Ala341Ser)

Gene: ITGA7 (integrin subunit alpha 7; minus strand). Cytogenetic location: 12q13.2.
Variant type: single nucleotide variant.
Coding change: c.1021G>T on transcript NM_002206.3 (MANE Select); coding-DNA position 1021, G replaced by T.
Protein change: p.Ala341Ser; replaces alanine 341 with serine.
Molecular consequence: missense variant. On other transcripts: 5 prime UTR variant (1).
Genome position (GRCh38, 1-based): chr12:55,698,554, C>A on the plus strand (G>T on the coding strand, the complement: ITGA7 is on the minus strand). VCF-style: chr12-55698554-C-A. GRCh37 (hg19) VCF-style: chr12-56092338-C-A.
Other names: c.1033G>T, p.Ala345Ser (NM_001144996.2, NM_001414029.1, NM_001414030.1); c.742G>T, p.Ala248Ser (NM_001144997.2); c.694G>T, p.Ala232Ser (NM_001367993.1); c.-272G>T (NM_001367994.1); c.1021G>T, p.Ala341Ser (NM_001374465.1, NM_001414031.1, NM_001414034.1); c.1153G>T, p.Ala385Ser (NM_001410977.1); c.901G>T, p.Ala301Ser (NM_001414032.1); c.838G>T, p.Ala280Ser (NM_001414033.1); and 1 more; short protein forms A248S, A341S, A232S, A345S, A385S, A280S, A228S, A301S.
Identifiers: ClinVar variation 1403082 (VCV001403082.6), dbSNP rs1275951872, ClinGen allele CA385190512.